The following is an entry in ClinVar:

NM_000059.4(BRCA2):c.9318G>C (p.Trp3106Cys)

Gene: BRCA2 (BRCA2 DNA repair associated; plus strand). Cytogenetic location: 13q13.1.
Variant type: single nucleotide variant.
Coding change: c.9318G>C on transcript NM_000059.4 (MANE Select); coding-DNA position 9318, G replaced by C.
Protein change: p.Trp3106Cys; replaces tryptophan 3106 with cysteine.
Molecular consequence: missense variant. On other transcripts: non-coding transcript variant (1).
Genome position (GRCh38, 1-based): chr13:32,394,750, G>C. VCF-style: chr13-32394750-G-C. GRCh37 (hg19) VCF-style: chr13-32968887-G-C.
Other names: c.9222G>C, p.Trp3074Cys (NM_001406719.1); c.9267G>C, p.Trp3089Cys (NM_001406720.1); c.4386G>C, p.Trp1462Cys (NM_001406721.1); c.2901G>C, p.Trp967Cys (NM_001406722.1); short protein forms W1462C, W3074C, W3089C, W3106C, W967C.
Identifiers: ClinVar variation 3073087 (VCV003073087.1), dbSNP rs771203198, ClinGen allele CA6941376.

ClinVar aggregate classification (germline): Uncertain significance (1 of 4 stars; one submission).

Conditions:
Breast-ovarian cancer, familial, susceptibility to, 2 (BROVCA2). Also called: BRCA2 Hereditary Breast and Ovarian Cancer. Identifiers: Orphanet 145, MedGen C2675520, MONDO:0012933, OMIM 612555. Disease mechanism: loss of function.

Allele frequency attached by ClinVar (database versions not stated): gnomAD exomes below 0.00001; ExAC 0.00001.
gnomAD v4.1: 3 of 1,613,908 alleles (0.00019%); highest among the groups gnomAD compares: South Asian, 0.0033%; no homozygotes.

Submission:

All of Us Research Program, National Institutes of Health
Classification: Uncertain significance for Breast-ovarian cancer, familial, susceptibility to, 2. Last evaluated: 2023-08-23. Review status: criteria provided, single submitter. Criteria: ACMG Guidelines, 2015. Collection method: clinical testing. Allele origin: germline. Inheritance: Autosomal dominant inheritance. Observed: 1 variant allele, 1 heterozygote.
Comment: This missense variant replaces tryptophan with cysteine at codon 3106 of the BRCA2 protein. Computational prediction suggests that this variant may have deleterious impact on protein structure and function (internally defined REVEL score threshold >= 0.7, PMID: 27666373). To our knowledge, functional studies have not been reported for this variant. This variant has not been reported in individuals affected with BRCA2-related disorders in the literature. This variant has been identified in 1/251160 chromosomes in the general population by the Genome Aggregation Database (gnomAD). The available evidence is insufficient to determine the role of this variant in disease conclusively. Therefore, this variant is classified as a Variant of Uncertain Significance.

This study involves interpretation of variants in research participants for the purpose of population health screening. Participant phenotype was not available at the time of variant classification. Additional details can be found in publication PMID: 35346344, PMCID: PMC8962531